The following is an entry in ClinVar:

ClinVar aggregate classification (germline): Uncertain significance. Review status: criteria provided, multiple submitters, no conflicts (2 of 4 stars). 2 submissions from 2 submitters: Uncertain significance (2). Last evaluated 2024-09-08.

Conditions:
Erythrocytosis, familial, 3 (ECYT3). Identifiers: Orphanet 247511, MedGen C1853286, MONDO:0012353, OMIM 609820.

Submissions (2):

Ambry Genetics
Classification: Uncertain significance. Last evaluated: 2024-09-08. Review status: criteria provided, single submitter. Criteria: Ambry Variant Classification Scheme 2023. Collection method: clinical testing. Allele origin: germline.
Comment: The p.R35C variant (also known as c.103C>T), located in coding exon 1 of the EGLN1 gene, results from a C to T substitution at nucleotide position 103. The arginine at codon 35 is replaced by cysteine, an amino acid with highly dissimilar properties. This amino acid position is conserved. In addition, the in silico prediction for this alteration is inconclusive. Based on the available evidence, the clinical significance of this variant remains unclear.

Labcorp Genetics (formerly Invitae), Labcorp
Classification: Uncertain significance for Erythrocytosis, familial, 3. Last evaluated: 2023-11-02. Review status: criteria provided, single submitter. Criteria: Invitae Variant Classification Sherloc (09022015). Collection method: clinical testing. Allele origin: germline.
Comment: This sequence change replaces arginine, which is basic and polar, with cysteine, which is neutral and slightly polar, at codon 35 of the EGLN1 protein (p.Arg35Cys). This variant is not present in population databases (gnomAD no frequency). This variant has not been reported in the literature in individuals affected with EGLN1-related conditions. An algorithm developed to predict the effect of missense changes on protein structure and function (PolyPhen-2) suggests that this variant is likely to be disruptive. In summary, the available evidence is currently insufficient to determine the role of this variant in disease. Therefore, it has been classified as a Variant of Uncertain Significance.

NM_022051.3(EGLN1):c.103C>T (p.Arg35Cys)

Gene: EGLN1 (egl-9 family hypoxia inducible factor 1; minus strand). Cytogenetic location: 1q42.2.
Variant type: single nucleotide variant.
Coding change: c.103C>T on transcript NM_022051.3 (MANE Select); coding-DNA position 103, C replaced by T.
Protein change: p.Arg35Cys; replaces arginine 35 with cysteine.
Molecular consequence: missense variant.
Genome position (GRCh38, 1-based): chr1:231,421,786, G>A on the plus strand (C>T on the coding strand, the complement: EGLN1 is on the minus strand). VCF-style: chr1-231421786-G-A. GRCh37 (hg19) VCF-style: chr1-231557532-G-A.
Other names: c.103C>T, p.Arg35Cys (NM_001377260.1, NM_001377261.1); c.103C>T (NM_022051.2); short protein forms R35C.
Identifiers: ClinVar variation 2872344 (VCV002872344.4), dbSNP rs778100040, ClinGen allele CA345239033.
Genomic context (GRCh38, chr1:231,421,786, plus strand): 5'-TGTGCTTCTTCCAGTCCTGACGCTGGTGCTCCTTGCAGCAGTAGAAGGAGCTGCGGCAGC[G>A]GCTGCAGCGCAGCAGGTTCTCCATCTTCCCGCACAGCTCGCAGTACTGCCGGTCTCGCTC-3'
Protein context (NP_071334.1, residues 25-45): GKMENLLRCS[Arg35Cys]CRSSFYCCKE